The following is an entry in ClinVar:

ClinVar aggregate classification (germline): Uncertain significance (1 of 4 stars; one submission).

Submission:

GeneDx
Classification: Uncertain significance. Last evaluated: 2024-11-01. Review status: criteria provided, single submitter. Criteria: GeneDx Variant Classification Process June 2021. Collection method: clinical testing. Allele origin: germline. Affected: yes.
Comment: Not observed at significant frequency in large population cohorts (gnomAD); In silico analysis supports that this missense variant has a deleterious effect on protein structure/function; Has not been previously published as pathogenic or benign to our knowledge

NM_001083619.3(GRIA2):c.2436C>A (p.Asn812Lys)

Gene: GRIA2 (glutamate ionotropic receptor AMPA type subunit 2; plus strand). Cytogenetic location: 4q32.1.
Variant type: single nucleotide variant.
Coding change: c.2436C>A on transcript NM_001083619.3 (MANE Select); coding-DNA position 2436, C replaced by A.
Protein change: p.Asn812Lys; replaces asparagine 812 with lysine.
Molecular consequence: missense variant.
Genome position (GRCh38, 1-based): chr4:157,362,828, C>A. VCF-style: chr4-157362828-C-A. GRCh37 (hg19) VCF-style: chr4-158283980-C-A.
Other names: c.2436C>A, p.Asn812Lys (NM_000826.6); c.2295C>A, p.Asn765Lys (NM_001083620.3, NM_001379000.3, NM_001379001.3); short protein forms N765K, N812K.
Identifiers: ClinVar variation 3897474 (VCV003897474.1).
Genomic context (GRCh38, chr4:157,362,828, plus strand): 5'-CTAATAACCTCTTCTCATATACATTCTTTAGGAAAAGACCAGTGCCCTCAGTCTGAGCAA[C>A]GTTGCTGGAGTATTCTACATCCTTGTCGGGGGCCTTGGTTTGGCAATGCTGGTGGCTTTG-3'
Protein context (NP_001077088.2, residues 802-822): KEKTSALSLS[Asn812Lys]VAGVFYILVG